The following is an entry in ClinVar:

NM_000722.4(CACNA2D1):c.666A>G (p.Pro222=)

Gene: CACNA2D1 (calcium voltage-gated channel auxiliary subunit alpha2delta 1; minus strand). Cytogenetic location: 7q21.11.
Variant type: single nucleotide variant.
Coding change: c.666A>G on transcript NM_000722.4 (MANE Select); coding-DNA position 666, A replaced by G.
Protein change: p.Pro222=; no amino-acid change (proline 222 retained).
Molecular consequence: synonymous variant.
Genome position (GRCh38, 1-based): chr7:82,066,517, T>C on the plus strand (A>G on the coding strand, the complement: CACNA2D1 is on the minus strand). VCF-style: chr7-82066517-T-C. GRCh37 (hg19) VCF-style: chr7-81695833-T-C.
Other names: c.666A>G, p.Pro222= (NM_001302890.2, NM_001366867.1).
Identifiers: ClinVar variation 3045039 (VCV003045039.3), dbSNP rs1219922529, ClinGen allele CA456268732.

ClinVar aggregate classification (germline): Likely benign. Review status: criteria provided, single submitter (1 of 4 stars). 2 submissions from 2 submitters: Likely benign (1). 1 of the submissions does not count toward it. Last evaluated 2026-03-29.

Conditions:
CACNA2D1-related disorder. Also called: CACNA2D1-related condition.
Cardiovascular phenotype. Identifiers: MedGen CN230736.

gnomAD v4.1: 26 of 1,576,812 alleles (0.0016%); highest among the groups gnomAD compares: Non-Finnish European, 0.0021%; no homozygotes.

Submissions (2):

Ambry Genetics
Classification: Likely benign for Cardiovascular phenotype. Last evaluated: 2026-03-29. Review status: criteria provided, single submitter. Criteria: Ambry Variant Classification Scheme 2023. Collection method: clinical testing. Allele origin: germline.

PreventionGenetics, part of Exact Sciences
Classification: Likely benign for CACNA2D1-related condition. Last evaluated: 2023-05-18. Review status: no assertion criteria provided. Collection method: clinical testing. Allele origin: germline. Not counted in ClinVar's aggregate classification.
Comment: This variant is classified as likely benign based on ACMG/AMP sequence variant interpretation guidelines (Richards et al. 2015 PMID: 25741868, with internal and published modifications).